The following is an entry in ClinVar:

ClinVar aggregate classification (germline): Likely benign (1 of 4 stars; one submission).

Conditions:
FREM1-related disorder. Also called: FREM1-Related Disorders; FREM1-related condition.

gnomAD v4.1: 15 of 1,613,676 alleles (0.00093%); highest among the groups gnomAD compares: African/African-American, 0.004%; no homozygotes.

Submission:

PreventionGenetics, part of Exact Sciences
Classification: Likely benign for FREM1-related condition. Last evaluated: 2026-01-14. Review status: criteria provided, single submitter. Criteria: ACMG Guidelines, 2015. Collection method: clinical testing. Allele origin: germline.
Comment: This variant is classified as likely benign based on ACMG/AMP sequence variant interpretation guidelines (Richards et al. 2015 PMID: 25741868, with internal and published modifications).

NM_001379081.2(FREM1):c.4311G>A (p.Pro1437=)

Gene: FREM1 (FRAS1 related extracellular matrix 1; minus strand). Cytogenetic location: 9p22.3.
Variant type: single nucleotide variant.
Coding change: c.4311G>A on transcript NM_001379081.2 (MANE Select); coding-DNA position 4311, G replaced by A.
Protein change: p.Pro1437=; no amino-acid change (proline 1437 retained).
Molecular consequence: synonymous variant. On other transcripts: non-coding transcript variant (1).
Genome position (GRCh38, 1-based): chr9:14,784,501, C>T on the plus strand (G>A on the coding strand, the complement: FREM1 is on the minus strand). VCF-style: chr9-14784501-C-T. GRCh37 (hg19) VCF-style: chr9-14784499-C-T.
Other names: c.4311G>A, p.Pro1437= (NM_144966.7).
Identifiers: ClinVar variation 4981642 (VCV004981642.1).